The following is an entry in ClinVar:

NM_015046.7(SETX):c.3057TGA[7] (p.Asp1024dup)

Gene: SETX (senataxin; minus strand). Cytogenetic location: 9q34.13.
Variant type: Microsatellite.
Coding change: c.3057TGA[7] on transcript NM_015046.7 (MANE Select); seven copies in a row of the 3-base unit TGA starting at c.3057; the reference has six copies in a row; one copy, 3 bases duplicated; also written c.3072_3074dup.
Protein change: p.Asp1024dup; duplicates aspartic acid 1024.
Molecular consequence: inframe insertion.
Genome position (GRCh38, 1-based): chr9:132,328,524-132,328,526, TCA duplicated on the plus strand (TGA on the coding strand, the reverse complement: SETX is on the minus strand); duplicating any 3 consecutive bases within chr9:132,328,524-132,328,541 gives the same sequence; the position shown is the placement nearest the transcript's 3' end. VCF-style (leftmost placement, unchanged base first): chr9-132328523-T-TTCA. GRCh37 (hg19) VCF-style: chr9-135203910-T-TTCA.
Other names: p.Asp1024dup; c.3072_3074dup (NM_015046.7, NM_015046.5); c.3057TGA[7], p.Asp1024dup (NM_001351527.2, NM_001351528.2).
Identifiers: ClinVar variation 468497 (VCV000468497.71), dbSNP rs572772837, ClinGen allele CA5297479.

ClinVar aggregate classification (germline): Benign/Likely benign. Review status: criteria provided, multiple submitters, no conflicts (2 of 4 stars). 13 submissions from 12 submitters: Benign (5); Likely benign (7). 1 of the submissions does not count toward it. Last evaluated 2026-09-01.

Conditions:
Inborn genetic diseases. Identifiers: MedGen C0950123, MeSH D030342.
SETX-related disorder. Also called: SETX-related condition; SETX-related disorders. Identifiers: MedGen CN239403.
Spinocerebellar ataxia, autosomal recessive, with axonal neuropathy 2 (SCAN2). Also called: ATAXIA-OCULOMOTOR APRAXIA 2; Ataxia-ocular apraxia-2; Ataxia with Oculomotor Apraxia; Ataxia with Oculomotor Apraxia Type 2. Identifiers: Orphanet 64753, MedGen C1853761, MONDO:0018996, OMIM 606002.
Amyotrophic lateral sclerosis type 4 (ALS4). Also called: AMYOTROPHIC LATERAL SCLEROSIS 4, JUVENILE; NEURONOPATHY, DISTAL HEREDITARY MOTOR, WITH PYRAMIDAL FEATURES. Identifiers: Orphanet 357043, MedGen C1865409, MONDO:0011223, OMIM 602433.
Hereditary spastic paraplegia. Also called: Familial spastic paraparesis. Identifiers: Orphanet 685, MedGen C0037773, MONDO:0019064. Disease mechanism: loss of function.

Submissions (13):

CeGaT Center for Human Genetics Tuebingen
Classification: Likely benign. Last evaluated: 2026-09-01. Review status: criteria provided, single submitter. Criteria: CeGaT Center For Human Genetics Tuebingen Variant Classification Criteria Version 2. Collection method: clinical testing. Allele origin: germline. Affected: yes. Observed: 35 variant alleles.
Comment: SETX: PM4:Supporting, BS2

Labcorp Genetics (formerly Invitae), Labcorp
Classification: Benign for Amyotrophic lateral sclerosis type 4; Spinocerebellar ataxia, autosomal recessive, with axonal neuropathy 2. Last evaluated: 2026-02-01. Review status: criteria provided, single submitter. Criteria: Invitae Variant Classification Sherloc (09022015). Collection method: clinical testing. Allele origin: germline.

Athena Diagnostics
Classification: Benign. Last evaluated: 2025-03-26. Review status: criteria provided, single submitter. Criteria: Athena Diagnostics Criteria. Collection method: clinical testing. Allele origin: unknown.
Comment: The frequency of this variant in the general population is higher than would generally be expected for pathogenic variants in this gene.

Mayo Clinic Laboratories, Mayo Clinic
Classification: Benign. Last evaluated: 2025-01-06. Review status: criteria provided, single submitter. Criteria: ACMG Guidelines, 2015. Collection method: clinical testing. Allele origin: germline. Observed: 9 variant alleles.
Comment: BS1, BS2

Blueprint Genetics
Classification: Likely benign. Last evaluated: 2024-11-21. Review status: criteria provided, single submitter. Criteria: ACMG Guidelines, 2015. Collection method: clinical testing. Allele origin: germline.

ARUP Laboratories, Molecular Genetics and Genomics, ARUP Laboratories
Classification: Likely benign. Last evaluated: 2024-05-31. Review status: criteria provided, single submitter. Criteria: ARUP Molecular Germline Variant Investigation Process 2024. Collection method: clinical testing. Allele origin: germline.

Genome-Nilou Lab
Classification: Benign for Spinocerebellar ataxia, autosomal recessive, with axonal neuropathy 2. Last evaluated: 2023-02-08. Review status: criteria provided, single submitter. Criteria: ACMG Guidelines, 2015. Collection method: clinical testing. Allele origin: germline.

Genome-Nilou Lab
Classification: Benign for Amyotrophic lateral sclerosis type 4. Last evaluated: 2023-02-08. Review status: criteria provided, single submitter. Criteria: ACMG Guidelines, 2015. Collection method: clinical testing. Allele origin: germline.

Genome Diagnostics Laboratory, The Hospital for Sick Children
Classification: Likely benign for Hereditary spastic paraplegia. Last evaluated: 2021-07-09. Review status: criteria provided, single submitter. Criteria: ACMG Guidelines, 2015. Collection method: clinical testing. Allele origin: germline. Affected: yes.

GeneDx
Classification: Likely benign. Last evaluated: 2021-05-04. Review status: criteria provided, single submitter. Criteria: GeneDx Variant Classification Process June 2021. Collection method: clinical testing. Allele origin: germline. Affected: yes.
Comment: This variant is associated with the following publications: (PMID: 25572163)

Ambry Genetics
Classification: Likely benign for Inborn genetic diseases. Last evaluated: 2019-09-17. Review status: criteria provided, single submitter. Criteria: Ambry Variant Classification Scheme 2023. Collection method: clinical testing. Allele origin: germline.

Institute of Human Genetics, University of Leipzig Medical Center
Classification: Likely benign for Spinocerebellar ataxia, autosomal recessive, with axonal neuropathy 2. Last evaluated: 2019-01-01. Review status: criteria provided, single submitter. Criteria: ACMG Guidelines, 2015. Collection method: clinical testing. Allele origin: unknown. Affected: yes.

PreventionGenetics, part of Exact Sciences
Classification: Benign for SETX-related condition. Last evaluated: 2019-07-22. Review status: no assertion criteria provided. Collection method: clinical testing. Allele origin: germline. Not counted in ClinVar's aggregate classification.
Comment: This variant is classified as benign based on ACMG/AMP sequence variant interpretation guidelines (Richards et al. 2015 PMID: 25741868, with internal and published modifications).

Literature cited by the submitters: PubMed 25572163 (cited by Athena Diagnostics).